The following is an entry in ClinVar:

NM_000528.4(MAN2B1):c.2920dup (p.Thr974fs)

Gene: MAN2B1 (mannosidase alpha class 2B member 1; minus strand). Cytogenetic location: 19p13.13.
Variant type: Duplication.
Coding change: c.2920dup on transcript NM_000528.4 (MANE Select); coding-DNA position 2920, one base duplicated (A; older notation c.2920dupA).
Protein change: p.Thr974fs; shifts the reading frame from threonine 974.
Molecular consequence: frameshift variant.
Genome position (GRCh38, 1-based): chr19:12,647,236, T duplicated on the plus strand (A on the coding strand, the reverse complement: MAN2B1 is on the minus strand). VCF-style (leftmost placement, unchanged base first): chr19-12647235-G-GT. GRCh37 (hg19) VCF-style: chr19-12758049-G-GT.
Other names: c.2917dup, p.Thr973fs (NM_001173498.2); c.2920dupA (NM_000528.3); short protein forms T974fs, T973fs.
Identifiers: ClinVar variation 1372339 (VCV001372339.10), dbSNP rs774791244, ClinGen allele CA9225879.

ClinVar aggregate classification (germline): Pathogenic/Likely pathogenic. Review status: criteria provided, multiple submitters, no conflicts (2 of 4 stars). 5 submissions from 5 submitters: Pathogenic (2); Likely pathogenic (3). Last evaluated 2026-07-10.

Conditions:
Deficiency of alpha-mannosidase (MANSA). Also called: Alpha-Mannosidosis; Mannosidosis, alpha-, types I and II; LYSOSOMAL ALPHA-D-MANNOSIDASE DEFICIENCY. Identifiers: Orphanet 61, MedGen C0024748, MONDO:0009561, OMIM 248500.

Allele frequency attached by ClinVar (database versions not stated): gnomAD exomes 0.00001; ExAC 0.00002.

Submissions (5):

Myriad Genetics, Inc.
Classification: Likely pathogenic for Deficiency of alpha-mannosidase. Last evaluated: 2026-07-10. Review status: criteria provided, single submitter. Criteria: Myriad Autosomal Dominant, Autosomal Recessive and X-Linked Classification Criteria (2023). Collection method: clinical testing. Allele origin: unknown.
Comment: NM_000528.3(MAN2B1):c.2920dupA(T974Nfs*?) is a readthrough frameshift variant classified as likely pathogenic in the context of alpha-mannosidosis. T974Nfs*? has been observed in a case with relevant disease (PMID: 22161967). Relevant functional assessments of this variant are not available in the literature. T974Nfs*? has been observed in referenced population frequency databases. In summary, NM_000528.3(MAN2B1):c.2920dupA(T974Nfs*?) is a readthrough frameshift variant that has been observed more frequently in cases with the relevant disease than in healthy populations. Please note: this variant was assessed in the context of healthy population screening.

Revvity Omics, Revvity
Classification: Pathogenic for Deficiency of alpha-mannosidase. Last evaluated: 2025-01-24. Review status: criteria provided, single submitter. Criteria: ACMG Guidelines, 2015. Collection method: clinical testing. Allele origin: germline.

Natera, Inc.
Classification: Likely pathogenic for Alpha-mannosidosis. Last evaluated: 2024-02-24. Review status: criteria provided, single submitter. Criteria: Natera Variant Classification Schema (03/2026). Collection method: clinical testing. Allele origin: germline.
Comment: The c.2920dupA variant in MAN2B1 is a frameshift variant predicted to elongate the protein beyond the termination codon. This variant may result in a truncated or dysfunctional protein product. This variant is rare in the general population with a frequency below the threshold expected for the associated phenotype(s). This variant has been observed in one or more individuals affected with the associated recessive disease, as either homozygous or compound heterozygous with a second variant (PMID: 26048034, 22161967). This variant has been identified in one or more affected individual with a phenotype highly consistent with the associated gene (PMID: 26048034). Given the available evidence, this variant is classified as Likely Pathogenic.

Labcorp Genetics (formerly Invitae), Labcorp
Classification: Pathogenic for Deficiency of alpha-mannosidase. Last evaluated: 2022-11-01. Review status: criteria provided, single submitter. Criteria: Invitae Variant Classification Sherloc (09022015). Collection method: clinical testing. Allele origin: germline.
Comment: This sequence change results in a frameshift in the MAN2B1 gene (p.Thr974Asnfs*). While this is not anticipated to result in nonsense mediated decay, it is expected to disrupt the last 38 amino acid(s) of the MAN2B1 protein and extend the protein by an uncertain number of additional amino acid residues. This variant is present in population databases (rs774791244, gnomAD 0.006%). This frameshift has been observed in individual(s) with alpha-mannosidosis (PMID: 22161967). ClinVar contains an entry for this variant (Variation ID: 1372339). This variant results in an extension of the MAN2B1 protein. Other variant(s) that result in a similarly extended protein product (p.Thr974Argfs*?) have been determined to be pathogenic (PMID: 22161967). This suggests that these extensions are likely to be disease-causing. For these reasons, this variant has been classified as Pathogenic.

Fulgent Genetics
Classification: Likely pathogenic for Deficiency of alpha-mannosidase. Last evaluated: 2022-04-13. Review status: criteria provided, single submitter. Criteria: ACMG Guidelines, 2015. Collection method: clinical testing. Allele origin: unknown.

Literature cited by the submitters: PubMed 22161967 (cited by 3 submitters); PubMed 26048034 (cited by Natera, Inc.).